The following is an entry in ClinVar:

ClinVar aggregate classification (germline): Uncertain significance (1 of 4 stars; one submission).

Conditions:
Transcobalamin II deficiency (TCN2D). Also called: TC II DEFICIENCY; TCN2 DEFICIENCY; Transcolabamin II deficiency. Identifiers: Orphanet 859, MedGen C0342701, MONDO:0010149, OMIM 275350.

Allele frequency attached by ClinVar (database versions not stated): gnomAD 0.00001 and 0.00002; TOPMed 0.00002; ExAC 0.00004; gnomAD exomes 0.00004.
gnomAD v4.1: 52 of 1,613,934 alleles (0.0032%); highest among the groups gnomAD compares: South Asian, 0.022%; no homozygotes.

Submission:

Labcorp Genetics (formerly Invitae), Labcorp
Classification: Uncertain significance for Transcobalamin II deficiency. Last evaluated: 2025-12-15. Review status: criteria provided, single submitter. Criteria: Invitae Variant Classification Sherloc (09022015). Collection method: clinical testing. Allele origin: germline.
Comment: This sequence change replaces alanine, which is neutral and non-polar, with valine, which is neutral and non-polar, at codon 388 of the TCN2 protein (p.Ala388Val). This variant is present in population databases (rs774428161, gnomAD 0.02%). This missense change has been observed in individual(s) with pulmonary arterial hypertension (PMID: 29631995). ClinVar contains an entry for this variant (Variation ID: 1379039). Invitae Evidence Modeling of protein sequence and biophysical properties (such as structural, functional, and spatial information, amino acid conservation, physicochemical variation, residue mobility, and thermodynamic stability) indicates that this missense variant is not expected to disrupt TCN2 protein function with a negative predictive value of 80%. In summary, the available evidence is currently insufficient to determine the role of this variant in disease. Therefore, it has been classified as a Variant of Uncertain Significance.

Literature cited by the submitters: PubMed 29631995.

NM_000355.4(TCN2):c.1163C>T (p.Ala388Val)

Gene: TCN2 (transcobalamin 2; plus strand). Cytogenetic location: 22q12.2.
Variant type: single nucleotide variant.
Coding change: c.1163C>T on transcript NM_000355.4 (MANE Select); coding-DNA position 1163, C replaced by T.
Protein change: p.Ala388Val; replaces alanine 388 with valine.
Molecular consequence: missense variant.
Genome position (GRCh38, 1-based): chr22:30,623,024, C>T. VCF-style: chr22-30623024-C-T. GRCh37 (hg19) VCF-style: chr22-31019011-C-T.
Other names: c.1082C>T, p.Ala361Val (NM_001184726.2); short protein forms A361V, A388V.
Identifiers: ClinVar variation 1379039 (VCV001379039.4), dbSNP rs774428161, ClinGen allele CA10185003.
Genomic context (GRCh38, chr22:30,623,024, plus strand): 5'-GTAGATATGAAACACAGGCCTCCTTGTCAGGCCCCTACTTAACCTCCGTGATGGGGAAAG[C>T]GGCCGGAGAAAGGGAGTTCTGGCAGCTTCTCCGAGACCCCAACACCCCACTGTTGCAAGG-3'
Protein context (NP_000346.2, residues 378-398): GPYLTSVMGK[Ala388Val]AGEREFWQLL